The following is an entry in ClinVar:

NM_001378030.1(CCDC78):c.1099G>A (p.Gly367Ser)

Gene: CCDC78 (coiled-coil domain containing 78; minus strand). Cytogenetic location: 16p13.3.
Variant type: single nucleotide variant.
Coding change: c.1099G>A on transcript NM_001378030.1 (MANE Select); coding-DNA position 1099, G replaced by A.
Protein change: p.Gly367Ser; replaces glycine 367 with serine.
Molecular consequence: missense variant. On other transcripts: non-coding transcript variant (5), intron variant (1).
Genome position (GRCh38, 1-based): chr16:723,891, C>T on the plus strand (G>A on the coding strand, the complement: CCDC78 is on the minus strand). VCF-style: chr16-723891-C-T. GRCh37 (hg19) VCF-style: chr16-773891-C-T.
Other names: c.1099G>A, p.Gly367Ser (NM_001031737.3); c.532G>A, p.Gly178Ser (NM_001378033.1); c.953+431G>A (NM_001378031.1); short protein forms G367S, G178S.
Identifiers: ClinVar variation 1478977 (VCV001478977.8), dbSNP rs1021626011, ClinGen allele CA7789253.
Genomic context (GRCh38, chr16:723,891, plus strand): 5'-TCCCCCACACCCATGAGGGCACTCACTGTGGCTCTGATGTTCCCCCCTGGGAGGCTCCAC[C>T]GGGTCTCTTTTTTGGGGATGAGAGCAGTGCCCCAGGCCCGCCGTGCTACAGAGGTTTGTG-3'
Protein context (NP_001364959.1, residues 357-377): ALLSSPKKRP[Gly367Ser]GASQGGTSEP

ClinVar aggregate classification (germline): Uncertain significance (1 of 4 stars; one submission).

Conditions:
Congenital myopathy with internal nuclei and atypical cores. Also called: Myopathy, centronuclear, 4. Identifiers: Orphanet 319160, MedGen C4707232, MONDO:0013890, OMIM 614807.

Allele frequency attached by ClinVar (database versions not stated): gnomAD exomes below 0.00001; TOPMed below 0.00001.

Submission:

Labcorp Genetics (formerly Invitae), Labcorp
Classification: Uncertain significance for Congenital myopathy with internal nuclei and atypical cores. Last evaluated: 2025-07-16. Review status: criteria provided, single submitter. Criteria: Invitae Variant Classification Sherloc (09022015). Collection method: clinical testing. Allele origin: germline.
Comment: This sequence change replaces glycine, which is neutral and non-polar, with serine, which is neutral and polar, at codon 367 of the CCDC78 protein (p.Gly367Ser). The frequency data for this variant in the population databases is considered unreliable, as metrics indicate poor data quality at this position in the gnomAD database. This variant has not been reported in the literature in individuals affected with CCDC78-related conditions. ClinVar contains an entry for this variant (Variation ID: 1478977). Invitae Evidence Modeling of protein sequence and biophysical properties (such as structural, functional, and spatial information, amino acid conservation, physicochemical variation, residue mobility, and thermodynamic stability) indicates that this missense variant is not expected to disrupt CCDC78 protein function with a negative predictive value of 80%. In summary, the available evidence is currently insufficient to determine the role of this variant in disease. Therefore, it has been classified as a Variant of Uncertain Significance.